The following is an entry in ClinVar:

ClinVar aggregate classification (germline): Benign/Likely benign. Review status: criteria provided, multiple submitters, no conflicts (2 of 4 stars). 4 submissions from 4 submitters: Benign (1); Likely benign (3). Last evaluated 2026-02-01.

Conditions:
ALG9 congenital disorder of glycosylation (CDG1L). Also called: CONGENITAL DISORDER OF GLYCOSYLATION, TYPE Il; CDG Il; ALG9-CDG. Identifiers: Orphanet 79328, MedGen C2931006, MONDO:0012117, OMIM 608776.

Allele frequency attached by ClinVar (database versions not stated): gnomAD exomes 0.00029 and 0.00106; gnomAD 0.00036 and 0.00048; TOPMed 0.00071; ExAC 0.00110; 1000 Genomes Project 0.00300; 1000 Genomes Project 30x 0.00328.

Submissions (4):

Labcorp Genetics (formerly Invitae), Labcorp
Classification: Benign for ALG9 congenital disorder of glycosylation. Last evaluated: 2026-02-01. Review status: criteria provided, single submitter. Criteria: Invitae Variant Classification Sherloc (09022015). Collection method: clinical testing. Allele origin: germline.

CeGaT Center for Human Genetics Tuebingen
Classification: Likely benign. Last evaluated: 2025-11-01. Review status: criteria provided, single submitter. Criteria: CeGaT Center For Human Genetics Tuebingen Variant Classification Criteria Version 2. Collection method: clinical testing. Allele origin: germline. Affected: yes. Observed: 1 variant allele.
Comment: ALG9: BP4, BP7

Blueprint Genetics
Classification: Likely benign. Last evaluated: 2024-09-23. Review status: criteria provided, single submitter. Criteria: ACMG Guidelines, 2015. Collection method: clinical testing. Allele origin: germline.

GeneDx
Classification: Likely benign. Last evaluated: 2021-09-10. Review status: criteria provided, single submitter. Criteria: GeneDx Variant Classification Process June 2021. Collection method: clinical testing. Allele origin: germline. Affected: yes.

NM_024740.2(ALG9):c.1332C>T (p.His444=)

Gene: ALG9 (ALG9 alpha-1,2-mannosyltransferase; minus strand). Cytogenetic location: 11q23.1.
Variant type: single nucleotide variant.
Coding change: c.1332C>T on transcript NM_024740.2 (MANE Select); coding-DNA position 1332, C replaced by T.
Protein change: p.His444=; no amino-acid change (histidine 444 retained).
Molecular consequence: synonymous variant. On other transcripts: non-coding transcript variant (1).
Genome position (GRCh38, 1-based): chr11:111,837,608, G>A on the plus strand (C>T on the coding strand, the complement: ALG9 is on the minus strand). VCF-style: chr11-111837608-G-A. GRCh37 (hg19) VCF-style: chr11-111708331-G-A.
Other names: c.1311C>T, p.His437= (NM_001077690.1, NM_001352417.1); c.819C>T, p.His273= (NM_001077691.2, NM_001352413.1, NM_001352414.2 and 1 more transcripts); c.798C>T, p.His266= (NM_001077692.2, NM_001352409.1, NM_001352410.1 and 6 more transcripts); c.1188C>T, p.His396= (NM_001352418.1); c.723C>T, p.His241= (NM_001352422.2); c.675C>T, p.His225= (NM_001352423.2).
Identifiers: ClinVar variation 697840 (VCV000697840.18), dbSNP rs139516254, ClinGen allele CA6274446.